The following is an entry in ClinVar:

NM_203447.4(DOCK8):c.4017G>A (p.Glu1339=)

Gene: DOCK8 (dedicator of cytokinesis 8; plus strand). Cytogenetic location: 9p24.3.
Variant type: single nucleotide variant.
Coding change: c.4017G>A on transcript NM_203447.4 (MANE Select); coding-DNA position 4017, G replaced by A.
Protein change: p.Glu1339=; no amino-acid change (glutamic acid 1339 retained).
Molecular consequence: synonymous variant.
Genome position (GRCh38, 1-based): chr9:420,577, G>A. VCF-style: chr9-420577-G-A. GRCh37 (hg19) VCF-style: chr9-420577-G-A.
Other names: c.3717G>A, p.Glu1239= (NM_001190458.2); c.3813G>A, p.Glu1271= (NM_001193536.2).
Identifiers: ClinVar variation 1102666 (VCV001102666.13), dbSNP rs368608032, ClinGen allele CA4958889.

ClinVar aggregate classification (germline): Likely benign. Review status: criteria provided, multiple submitters, no conflicts (2 of 4 stars). 2 submissions from 2 submitters: Likely benign (2). Last evaluated 2026-01-01.

Conditions:
Combined immunodeficiency due to DOCK8 deficiency (HIES2). Also called: DOCK8 Deficiency; HIES autosomal recessive; Hyper-IgE recurrent infection syndrome, autosomal recessive; HYPER-IgE RECURRENT INFECTION SYNDROME 2, AUTOSOMAL RECESSIVE; HYPER-IgE SYNDROME 2, AUTOSOMAL RECESSIVE, WITH RECURRENT INFECTIONS. Identifiers: Orphanet 217390, MedGen C4722305, MONDO:0009478, OMIM 243700.

Allele frequency attached by ClinVar (database versions not stated): gnomAD 0.00003 and 0.00004; ExAC 0.00004; gnomAD exomes 0.00004 and 0.00007; TOPMed 0.00005; ESP Exome Variant Server 0.00015.
gnomAD v4.1: 108 of 1,614,024 alleles (0.0067%); highest among the groups gnomAD compares: Non-Finnish European, 0.0082%; no homozygotes.

Submissions (2):

CeGaT Center for Human Genetics Tuebingen
Classification: Likely benign. Last evaluated: 2026-01-01. Review status: criteria provided, single submitter. Criteria: CeGaT Center For Human Genetics Tuebingen Variant Classification Criteria Version 2. Collection method: clinical testing. Allele origin: germline. Affected: yes. Observed: 1 variant allele.
Comment: DOCK8: BP4, BP7

Labcorp Genetics (formerly Invitae), Labcorp
Classification: Likely benign for Combined immunodeficiency due to DOCK8 deficiency. Last evaluated: 2025-12-30. Review status: criteria provided, single submitter. Criteria: Invitae Variant Classification Sherloc (09022015). Collection method: clinical testing. Allele origin: germline.